The following is an entry in ClinVar:

NM_005609.4(PYGM):c.2301G>C (p.Met767Ile)

Gene: PYGM (glycogen phosphorylase, muscle associated; minus strand). Cytogenetic location: 11q13.1.
Variant type: single nucleotide variant.
Coding change: c.2301G>C on transcript NM_005609.4 (MANE Select); coding-DNA position 2301, G replaced by C.
Protein change: p.Met767Ile; replaces methionine 767 with isoleucine.
Molecular consequence: missense variant.
Genome position (GRCh38, 1-based): chr11:64,747,235, C>G on the plus strand (G>C on the coding strand, the complement: PYGM is on the minus strand). VCF-style: chr11-64747235-C-G. GRCh37 (hg19) VCF-style: chr11-64514707-C-G.
Other names: c.2037G>C, p.Met679Ile (NM_001164716.1); short protein forms M767I, M679I.
Identifiers: ClinVar variation 2097861 (VCV002097861.4), dbSNP rs2496639048, ClinGen allele CA381164961.

ClinVar aggregate classification (germline): Uncertain significance (1 of 4 stars; one submission).

Conditions:
Glycogen storage disease, type V (GSD5). Also called: McArdle type glycogen storage disease; MCARDLE DISEASE; MUSCLE GLYCOGEN PHOSPHORYLASE DEFICIENCY; MYOPHOSPHORYLASE DEFICIENCY; PYGM DEFICIENCY. Identifiers: Orphanet 368, MedGen C0017924, MONDO:0009293, OMIM 232600.

Submission:

Labcorp Genetics (formerly Invitae), Labcorp
Classification: Uncertain significance for Glycogen storage disease, type V. Last evaluated: 2022-02-17. Review status: criteria provided, single submitter. Criteria: Invitae Variant Classification Sherloc (09022015). Collection method: clinical testing. Allele origin: germline.
Comment: Algorithms developed to predict the effect of missense changes on protein structure and function are either unavailable or do not agree on the potential impact of this missense change (SIFT: "Not Available"; PolyPhen-2: "Benign"; Align-GVGD: "Not Available"). In summary, the available evidence is currently insufficient to determine the role of this variant in disease. Therefore, it has been classified as a Variant of Uncertain Significance. This variant has not been reported in the literature in individuals affected with PYGM-related conditions. This variant is not present in population databases (gnomAD no frequency). This sequence change replaces methionine, which is neutral and non-polar, with isoleucine, which is neutral and non-polar, at codon 767 of the PYGM protein (p.Met767Ile).